The following is an entry in ClinVar:

NM_001845.6(COL4A1):c.3187_3189delinsTGT (p.Arg1063Cys)

Gene: COL4A1 (collagen type IV alpha 1 chain; minus strand). Cytogenetic location: 13q34.
Variant type: Indel.
Coding change: c.3187_3189delinsTGT on transcript NM_001845.6 (MANE Select); coding-DNA positions 3187 to 3189, CGA replaced by TGT.
Protein change: p.Arg1063Cys; replaces arginine 1063 with cysteine.
Molecular consequence: missense variant.
Genome position (GRCh38, 1-based): chr13:110,175,227-110,175,229, TCG replaced by ACA on the plus strand (CGA replaced by TGT on the coding strand, the reverse complement: COL4A1 is on the minus strand). VCF-style: chr13-110175227-TCG-ACA. GRCh37 (hg19) VCF-style: chr13-110827574-TCG-ACA.
Other names: short protein forms R1063C.
Identifiers: ClinVar variation 2631504 (VCV002631504.1), dbSNP rs2501772875, ClinGen allele CA2695199780.
Genomic context (GRCh38, chr13:110,175,227, plus strand): 5'-ATCTCCACTGAGCTGGGAGAAGGGGACCTTTCCACGCAGAGCGCTGGTTACCTTTTCACC[TCG>ACA]CAGCCCTGGGATGCCTATGCCAGGTGGGCCTGCCTGCCCTTTCTCTCCTTTTGCACCTTT-3'
Protein context (NP_001836.3, residues 1053-1073): GPPGIGIPGL[Arg1063Cys]GEKGDQGIAG

ClinVar aggregate classification (germline): Uncertain significance (1 of 4 stars; one submission).

Conditions:
COL4A1-related disorder. Also called: COL4A1-related condition; COL4A1-related disorders. Identifiers: MedGen CN376119, MONDO:0800461.

Submission:

PreventionGenetics, part of Exact Sciences
Classification: Uncertain significance for COL4A1-related condition. Last evaluated: 2023-06-29. Review status: criteria provided, single submitter. Criteria: ACMG Guidelines, 2015. Collection method: clinical testing. Allele origin: germline.
Comment: The COL4A1 c.3187_3189delinsTGT variant is predicted to result in an in-frame deletion and insertion. To our knowledge, this variant has not been reported in the literature or in a large population database, indicating this variant is rare. At this time, the clinical significance of this variant is uncertain due to the absence of conclusive functional and genetic evidence.